The following is an entry in ClinVar:

ClinVar aggregate classification (germline): Uncertain significance. Review status: criteria provided, multiple submitters, no conflicts (2 of 4 stars). 6 submissions from 6 submitters: Uncertain significance (6). Last evaluated 2026-01-27.

Conditions:
Cardiovascular phenotype. Identifiers: MedGen CN230736.
Ventricular arrhythmias due to cardiac ryanodine receptor calcium release deficiency syndrome. Also called: Autosomal dominant cardiac arrhythmia (Kuhn). Identifiers: MedGen C5542154, MONDO:0020745, OMIM 115000.
Cardiomyopathy (CMYO). Also called: Cardiomyopathies. Identifiers: Orphanet 167848, MedGen C0878544, MONDO:0004994, HP:0001638. Inheritance: Various modes of inheritance.
Catecholaminergic polymorphic ventricular tachycardia 1. Also called: VENTRICULAR TACHYCARDIA, CATECHOLAMINERGIC POLYMORPHIC, 1, WITH OR WITHOUT ATRIAL DYSFUNCTION AND/OR DILATED CARDIOMYOPATHY; VENTRICULAR TACHYCARDIA, STRESS-INDUCED POLYMORPHIC 1; RYR2-Related Catecholaminergic Polymorphic Ventricular Tachycardia. Identifiers: Orphanet 3286, MedGen C1631597, MONDO:0011484, OMIM 604772.

Allele frequency attached by ClinVar (database versions not stated): gnomAD exomes below 0.00001; gnomAD 0.00001; TOPMed 0.00001.
gnomAD v4.1: 7 of 1,610,876 alleles (0.00043%); highest among the groups gnomAD compares: Admixed American, 0.0017%; no homozygotes.

Submissions (6):

Labcorp Genetics (formerly Invitae), Labcorp
Classification: Uncertain significance for Catecholaminergic polymorphic ventricular tachycardia 1. Last evaluated: 2026-01-27. Review status: criteria provided, single submitter. Criteria: Invitae Variant Classification Sherloc (09022015). Collection method: clinical testing. Allele origin: germline.
Comment: This sequence change replaces glutamic acid, which is acidic and polar, with lysine, which is basic and polar, at codon 4361 of the RYR2 protein (p.Glu4361Lys). This variant is present in population databases (rs794728795, gnomAD 0.0009%). This variant has not been reported in the literature in individuals affected with RYR2-related conditions. ClinVar contains an entry for this variant (Variation ID: 201343). Invitae Evidence Modeling of protein sequence and biophysical properties (such as structural, functional, and spatial information, amino acid conservation, physicochemical variation, residue mobility, and thermodynamic stability) indicates that this missense variant is not expected to disrupt RYR2 protein function with a negative predictive value of 95%. In summary, the available evidence is currently insufficient to determine the role of this variant in disease. Therefore, it has been classified as a Variant of Uncertain Significance.

Color Diagnostics, LLC DBA Color Health
Classification: Uncertain significance for Cardiomyopathy. Last evaluated: 2025-05-20. Review status: criteria provided, single submitter. Criteria: ACMG Guidelines, 2015. Collection method: clinical testing. Allele origin: germline.
Comment: This missense variant replaces glutamic acid with lysine at codon 4361 of the RYR2 protein. Computational prediction is inconclusive regarding the impact of this variant on protein structure and function. To our knowledge, functional studies have not been reported for this variant. This variant has not been reported in individuals affected with RYR2-related disorders in the literature. This variant has been identified in 1/247476 chromosomes in the general population by the Genome Aggregation Database (gnomAD). The available evidence is insufficient to determine the role of this variant in disease conclusively. Therefore, this variant is classified as a Variant of Uncertain Significance.

Ambry Genetics
Classification: Uncertain significance for Cardiovascular phenotype. Last evaluated: 2022-06-02. Review status: criteria provided, single submitter. Criteria: Ambry Variant Classification Scheme 2023. Collection method: clinical testing. Allele origin: germline.
Comment: The p.E4361K variant (also known as c.13081G>A), located in coding exon 90 of the RYR2 gene, results from a G to A substitution at nucleotide position 13081. The glutamic acid at codon 4361 is replaced by lysine, an amino acid with similar properties. This amino acid position is well conserved in available vertebrate species. In addition, the in silico prediction for this alteration is inconclusive. Since supporting evidence is limited at this time, the clinical significance of this alteration remains unclear.

MVZ Martinsried, Medicover Genetics
Classification: Uncertain significance for Ventricular arrhythmias due to cardiac ryanodine receptor calcium release deficiency syndrome. Last evaluated: 2021-10-27. Review status: criteria provided, single submitter. Criteria: ACGS Guidelines, 2020. Collection method: clinical testing. Allele origin: unknown. Affected: yes.

Blueprint Genetics
Classification: Uncertain significance. Last evaluated: 2019-08-30. Review status: criteria provided, single submitter. Criteria: ACMG Guidelines, 2015. Collection method: clinical testing. Allele origin: germline.

GeneDx
Classification: Uncertain significance. Last evaluated: 2017-08-31. Review status: criteria provided, single submitter. Criteria: GeneDx Variant Classification (06012015). Collection method: clinical testing. Allele origin: germline. Affected: yes.
Comment: The E4361K variant of uncertain significance in the RYR2 gene has notbeen published as pathogenic or been reported as benign to our knowledge. This variant is not observed in large population cohorts(Lek et al., 2016; 1000 Genomes Consortium et al., 2015; Exome Variant Server). The E4361Kvariant is a non-conservative amino acid substitution, which is likely to impact secondary proteinstructure as these residues differ in polarity, charge, size and/or other properties. This substitutionoccurs at a position that is conserved in mammal. Furthermore, the E4361K variant is located in oneof the three hot-spot regions of the RYR2 gene, where the majority of pathogenic missense variantsoccur (Medeiros-Domingo et al., 2009). However, in silico analysis is inconsistent in its predictions asto whether or not the variant is damaging to the protein structure/function.

NM_001035.3(RYR2):c.13081G>A (p.Glu4361Lys)

Genes: RYR2 (ryanodine receptor 2; plus strand), LOC126806068 (BRD4-independent group 4 enhancer GRCh37_chr1:237947411-237948610; plus strand). Cytogenetic location: 1q43.
Variant type: single nucleotide variant.
Coding change: c.13081G>A on transcript NM_001035.3 (MANE Select); coding-DNA position 13081, G replaced by A.
Protein change: p.Glu4361Lys; replaces glutamic acid 4361 with lysine.
Molecular consequence: missense variant.
Genome position (GRCh38, 1-based): chr1:237,784,793, G>A. VCF-style: chr1-237784793-G-A. GRCh37 (hg19) VCF-style: chr1-237948093-G-A.
Other names: p.E4361K:GAG>AAG; c.13081G>A, p.Glu4361Lys (LRG_402t1); short protein forms E4361K.
Identifiers: ClinVar variation 201343 (VCV000201343.16), dbSNP rs794728795, ClinGen allele CA007802.